The following is an entry in ClinVar:

Conditions:
Long QT syndrome 5 (LQT5). Identifiers: Orphanet 101016, Orphanet 768, MedGen C1867904, MONDO:0013372, OMIM 613695.

Submission:

Roden Lab, Vanderbilt University Medical Center
No classification provided (evidence only). Condition: Long QT syndrome 5. Review status: no classification provided. Collection method: in vitro. Allele origin: not applicable. Functional consequence: Effect on ion channel function.
ClinVar note: "not provided" was previously submitted as the classification for the variant. However, the classification appeared to be based only on an observation of functional data so it was converted to no classification on 2025-07-30.

NM_000219.6(KCNE1):c.335A>T (p.His112Leu)

Gene: KCNE1 (potassium voltage-gated channel subfamily E regulatory subunit 1; minus strand). Cytogenetic location: 21q22.12.
Variant type: single nucleotide variant.
Coding change: c.335A>T on transcript NM_000219.6 (MANE Select); coding-DNA position 335, A replaced by T.
Protein change: p.His112Leu; replaces histidine 112 with leucine.
Molecular consequence: missense variant.
Genome position (GRCh38, 1-based): chr21:34,449,300, T>A on the plus strand (A>T on the coding strand, the complement: KCNE1 is on the minus strand). VCF-style: chr21-34449300-T-A. GRCh37 (hg19) VCF-style: chr21-35821598-T-A.
Other names: c.335A>T, p.His112Leu (NM_001127668.4, NM_001127669.4, NM_001127670.4 and 4 more transcripts); short protein forms H112L.
Identifiers: ClinVar variation 3374674 (VCV003374674.2).